The following is an entry in ClinVar:

ClinVar aggregate classification (germline): Pathogenic (1 of 4 stars; one submission).

Conditions:
Primary ciliary dyskinesia. Also called: Ciliary dyskinesia. Identifiers: Orphanet 244, MedGen C0008780, MONDO:0016575, HP:0012265.

Submission:

Labcorp Genetics (formerly Invitae), Labcorp
Classification: Pathogenic for Primary ciliary dyskinesia. Last evaluated: 2020-11-25. Review status: criteria provided, single submitter. Criteria: Invitae Variant Classification Sherloc (09022015). Collection method: clinical testing. Allele origin: germline.
Comment: For these reasons, this variant has been classified as Pathogenic. This variant has not been reported in the literature in individuals with DNAH11-related conditions. This variant is not present in population databases (ExAC no frequency). This sequence change creates a premature translational stop signal (p.Arg1949Glufs*14) in the DNAH11 gene. It is expected to result in an absent or disrupted protein product. Loss-of-function variants in DNAH11 are known to be pathogenic (PMID: 18022865, 20513915, 22184204).

Literature cited by the submitters: PubMed 18022865; PubMed 20513915; PubMed 22184204.

NM_001277115.2(DNAH11):c.5845del (p.Arg1949fs)

Gene: DNAH11 (dynein axonemal heavy chain 11; plus strand). Cytogenetic location: 7p15.3.
Variant type: Deletion.
Coding change: c.5845del on transcript NM_001277115.2 (MANE Select); coding-DNA position 5845, one base deleted (C; older notation c.5845delC).
Protein change: p.Arg1949fs; shifts the reading frame from arginine 1949.
Molecular consequence: frameshift variant.
Genome position (GRCh38, 1-based): chr7:21,687,448, C deleted; the last of 2 consecutive C bases (chr7:21,687,447-21,687,448); deleting either gives the same sequence. VCF-style (leftmost placement, unchanged base first): chr7-21687446-AC-A. GRCh37 (hg19) VCF-style: chr7-21727064-AC-A.
Other names: short protein forms R1949fs.
Identifiers: ClinVar variation 1453659 (VCV001453659.6), dbSNP rs2128474023, ClinGen allele CA2573142116.